The following is an entry in ClinVar:

ClinVar aggregate classification (germline): Uncertain significance (1 of 4 stars; one submission).

Conditions:
Brugada syndrome 8 (BRGDA8). Identifiers: Orphanet 130, MedGen C2751083, MONDO:0013148, OMIM 613123.

Submission:

Labcorp Genetics (formerly Invitae), Labcorp
Classification: Uncertain significance for Brugada syndrome 8. Last evaluated: 2021-04-09. Review status: criteria provided, single submitter. Criteria: Invitae Variant Classification Sherloc (09022015). Collection method: clinical testing. Allele origin: germline.
Comment: In summary, the available evidence is currently insufficient to determine the role of this variant in disease. Therefore, it has been classified as a Variant of Uncertain Significance. Algorithms developed to predict the effect of sequence changes on RNA splicing suggest that this variant may disrupt the consensus splice site, but this prediction has not been confirmed by published transcriptional studies. This variant has not been reported in the literature in individuals with HCN4-related conditions. This variant is not present in population databases (ExAC no frequency). This sequence change affects an acceptor splice site in intron 4 of the HCN4 gene. It is expected to disrupt RNA splicing. Variants that disrupt the donor or acceptor splice site typically lead to a loss of protein function (PMID: 16199547), however the current clinical and genetic evidence is not sufficient to establish whether loss-of-function variants in HCN4 cause disease.

Literature cited by the submitters: PubMed 16199547.

NM_005477.3(HCN4):c.1591-1G>C

Gene: HCN4 (hyperpolarization activated cyclic nucleotide gated potassium channel 4; minus strand). Cytogenetic location: 15q24.1.
Variant type: single nucleotide variant.
Coding change: c.1591-1G>C on transcript NM_005477.3 (MANE Select); the canonical splice acceptor site of the intron before coding-DNA position 1591, G replaced by C.
Molecular consequence: splice acceptor variant.
Genome position (GRCh38, 1-based): chr15:73,325,445, C>G on the plus strand (G>C on the coding strand, the complement: HCN4 is on the minus strand). VCF-style: chr15-73325445-C-G. GRCh37 (hg19) VCF-style: chr15-73617786-C-G.
Identifiers: ClinVar variation 1408449 (VCV001408449.8), dbSNP rs2042893660, ClinGen allele CA393092192.
Genomic context (GRCh38, chr15:73,325,445, plus strand): 5'-GCGCTGCCGGGTGTCGGGCGGGAGCTTGTGAAAGGACATGTACTGCTCCACCTGCTTGTA[C>G]TGAGGCCGGGAGAAGGGGGCGTCAGCTCCACCCCACCAGGGGGCGTCAGCAGCCAGCCCC-3'